The following is an entry in ClinVar:

ClinVar aggregate classification (germline): Pathogenic/Likely pathogenic. Review status: criteria provided, multiple submitters, no conflicts (2 of 4 stars). 2 submissions from 2 submitters: Pathogenic (1); Likely pathogenic (1). Last evaluated 2024-05-25.

Conditions:
Sucrase-isomaltase deficiency (CSID). Also called: Deficiency of isomaltase; Congenital sucrose isomaltose malabsorption; Sucrose isomaltose enzyme deficiency; SI DEFICIENCY. Identifiers: Orphanet 35122, MedGen C1283620, MONDO:0009114, OMIM 222900.

Submissions (2):

Fulgent Genetics
Classification: Likely pathogenic for Sucrase-isomaltase deficiency. Last evaluated: 2024-05-25. Review status: criteria provided, single submitter. Criteria: ACMG Guidelines, 2015. Collection method: clinical testing. Allele origin: germline.

Labcorp Genetics (formerly Invitae), Labcorp
Classification: Pathogenic. Last evaluated: 2022-12-20. Review status: criteria provided, single submitter. Criteria: Invitae Variant Classification Sherloc (09022015). Collection method: clinical testing. Allele origin: germline.
Comment: This sequence change creates a premature translational stop signal (p.Ser982Leufs*16) in the SI gene. It is expected to result in an absent or disrupted protein product. Loss-of-function variants in SI are known to be pathogenic (PMID: 16329100, 23103650, 25452324). This variant is present in population databases (rs751263307, gnomAD 0.0009%). This variant has not been reported in the literature in individuals affected with SI-related conditions. For these reasons, this variant has been classified as Pathogenic.

Literature cited by the submitters: PubMed 16329100 (cited by Labcorp Genetics (formerly Invitae), Labcorp); PubMed 23103650 (cited by Labcorp Genetics (formerly Invitae), Labcorp); PubMed 25452324 (cited by Labcorp Genetics (formerly Invitae), Labcorp).

NM_001041.4(SI):c.2945_2946del (p.Ser982fs)

Gene: SI (sucrase-isomaltase; minus strand). Cytogenetic location: 3q26.1.
Variant type: Microsatellite.
Coding change: c.2945_2946del on transcript NM_001041.4 (MANE Select); coding-DNA positions 2945 to 2946, 2 bases deleted (CT; older notation c.2945_2946delCT).
Protein change: p.Ser982fs; shifts the reading frame from serine 982.
Molecular consequence: frameshift variant.
Genome position (GRCh38, 1-based): chr3:165,023,723-165,023,724, AG deleted on the plus strand (CT on the coding strand, the reverse complement: SI is on the minus strand); deleting any 2 consecutive bases within chr3:165,023,723-165,023,726 gives the same sequence; the c. name uses the placement nearest the transcript's 3' end. VCF-style (leftmost placement, unchanged base first): chr3-165023722-AAG-A. GRCh37 (hg19) VCF-style: chr3-164741510-AAG-A.
Other names: short protein forms S982fs.
Identifiers: ClinVar variation 2030530 (VCV002030530.5), dbSNP rs751263307, ClinGen allele CA2690432.
Genomic context (GRCh38, chr3:165,023,722, plus strand): 5'-TATTTAGTTGGAGGTCAGCTGTTATACCCATGGATGAATAGCGAGCTGAGTTGACTGAAT[AAG>A]AGTTATCTTGTCTGGGAAAGTAACACTCAGGTGCTTTGGATAGAGAAGAACCCTAAAAAC-3'